The following is an entry in ClinVar:

NM_000552.5(VWF):c.8000T>C (p.Leu2667Pro)

Gene: VWF (von Willebrand factor; minus strand). Cytogenetic location: 12p13.31.
Variant type: single nucleotide variant.
Coding change: c.8000T>C on transcript NM_000552.5 (MANE Select); coding-DNA position 8000, T replaced by C.
Protein change: p.Leu2667Pro; replaces leucine 2667 with proline.
Molecular consequence: missense variant.
Genome position (GRCh38, 1-based): chr12:5,952,506, A>G on the plus strand (T>C on the coding strand, the complement: VWF is on the minus strand). VCF-style: chr12-5952506-A-G. GRCh37 (hg19) VCF-style: chr12-6061672-A-G.
Other names: short protein forms L2667P.
Identifiers: ClinVar variation 4992840 (VCV004992840.1).

ClinVar aggregate classification (germline): Uncertain significance (1 of 4 stars; one submission).

Conditions:
VWF-related disorder. Also called: VWF-related condition; VWF-related disorders.

Submission:

PreventionGenetics, part of Exact Sciences
Classification: Uncertain significance for VWF-related condition. Last evaluated: 2025-08-20. Review status: criteria provided, single submitter. Criteria: ACMG Guidelines, 2015. Collection method: clinical testing. Allele origin: germline.
Comment: The VWF c.8000T>C variant is predicted to result in the amino acid substitution p.Leu2667Pro. To our knowledge, this variant has not been reported in the literature or in a large population database (gnomAD), indicating this variant is rare. At this time, the clinical significance of this variant is uncertain due to the absence of conclusive functional and genetic evidence.